The following is an entry in ClinVar:

ClinVar aggregate classification (germline): Likely benign (1 of 4 stars; one submission).

Allele frequency attached by ClinVar (database versions not stated): gnomAD exomes 0.00023; gnomAD 0.00383 and 0.00388; 1000 Genomes Project 0.00559; 1000 Genomes Project 30x 0.00750.
gnomAD v4.1: 579 of 164,898 alleles (0.35%); highest among the groups gnomAD compares: African/African-American, 1.2%; 5 homozygotes.

Submission:

GeneDx
Classification: Likely benign. Last evaluated: 2021-10-17. Review status: criteria provided, single submitter. Criteria: GeneDx Variant Classification Process June 2021. Collection method: clinical testing. Allele origin: germline. Affected: yes.
Comment: See Variant Classification Assertion Criteria.

NM_001114748.2(TMEM240):c.-223G>A

Gene: TMEM240 (transmembrane protein 240; minus strand). Cytogenetic location: 1p36.33.
Variant type: single nucleotide variant.
Coding change: c.-223G>A on transcript NM_001114748.2 (MANE Select); 223 bases upstream of the start codon, G replaced by A.
Molecular consequence: 5 prime UTR variant.
Genome position (GRCh38, 1-based): chr1:1,540,569, C>T on the plus strand (G>A on the coding strand, the complement: TMEM240 is on the minus strand). VCF-style: chr1-1540569-C-T. GRCh37 (hg19) VCF-style: chr1-1475949-C-T.
Identifiers: ClinVar variation 1700862 (VCV001700862.2), dbSNP rs559690853, ClinGen allele CA16802989.
Genomic context (GRCh38, chr1:1,540,569, plus strand): 5'-GGGGGGGGGGGCGCCGGGGAGGGACGCGGGGCCTTTCTGGGGTCTCTCGGCCCGGCCCGC[C>T]GCGCTCCGCTCCGCCCTCGGGTCCTCCCTGCGATGCGCTCGGCTCGGCTCGACTCGGCTC-3'